The following is an entry in ClinVar:

NM_001042492.3(NF1):c.4504_4505delinsAA (p.Gly1502Asn)

Gene: NF1 (neurofibromin 1; plus strand). Cytogenetic location: 17q11.2.
Variant type: Indel.
Coding change: c.4504_4505delinsAA on transcript NM_001042492.3 (MANE Select); coding-DNA positions 4504 to 4505, GG replaced by AA.
Protein change: p.Gly1502Asn; replaces glycine 1502 with asparagine.
Molecular consequence: missense variant.
Genome position (GRCh38, 1-based): chr17:31,260,442-31,260,443, GG replaced by AA. VCF-style: chr17-31260442-GG-AA. GRCh37 (hg19) VCF-style: chr17-29587460-GG-AA.
Other names: c.4441_4442delGGinsAA, p.Gly1481Asn (NM_000267.4); short protein forms G1502N, G1481N.
Identifiers: ClinVar variation 2108378 (VCV002108378.4), dbSNP rs2508421371, ClinGen allele CA2580093247.
Genomic context (GRCh38, chr17:31,260,442, plus strand): 5'-ATAGCATCTGATTGTCCTACAAGTGATGCAGTAAATCATAGTCTTTCCTTCATAAGTGAC[GG>AA]CAATGTGCTTGCTTTACATCGTCTACTCTGGAACAATCAGGAGAAAATTGGGCAGTATCT-3'
Protein context (NP_001035957.1, residues 1492-1512): VNHSLSFISD[Gly1502Asn]NVLALHRLLW

ClinVar aggregate classification (germline): Uncertain significance (1 of 4 stars; one submission).

Conditions:
Neurofibromatosis, type 1 (NF1). Also called: Peripheral type neurofibromatosis; NEUROFIBROMATOSIS, TYPE I, SOMATIC; VON RECKLINGHAUSEN DISEASE; Neurofibromatosis, type I. Identifiers: Orphanet 636, MedGen C0027831, MONDO:0018975, OMIM 162200. Disease mechanism: loss of function.

Submission:

Labcorp Genetics (formerly Invitae), Labcorp
Classification: Uncertain significance for Neurofibromatosis, type 1. Last evaluated: 2022-03-10. Review status: criteria provided, single submitter. Criteria: Invitae Variant Classification Sherloc (09022015). Collection method: clinical testing. Allele origin: germline.
Comment: In summary, the available evidence is currently insufficient to determine the role of this variant in disease. Therefore, it has been classified as a Variant of Uncertain Significance. Algorithms developed to predict the effect of missense changes on protein structure and function are either unavailable or do not agree on the potential impact of this missense change (SIFT: "Not Available"; PolyPhen-2: "Possibly Damaging"; Align-GVGD: "Not Available"). This variant has not been reported in the literature in individuals affected with NF1-related conditions. Information on the frequency of this variant in the gnomAD database is not available, as this variant may be reported differently in the database. This sequence change replaces glycine, which is neutral and non-polar, with asparagine, which is neutral and polar, at codon 1481 of the NF1 protein (p.Gly1481Asn).